The following is an entry in ClinVar:

NM_003442.6(ZNF143):c.593G>C (p.Ser198Thr)

Gene: ZNF143 (zinc finger protein 143; plus strand). Cytogenetic location: 11p15.4.
Variant type: single nucleotide variant.
Coding change: c.593G>C on transcript NM_003442.6 (MANE Select); coding-DNA position 593, G replaced by C.
Protein change: p.Ser198Thr; replaces serine 198 with threonine.
Molecular consequence: missense variant.
Genome position (GRCh38, 1-based): chr11:9,479,494, G>C. VCF-style: chr11-9479494-G-C. GRCh37 (hg19) VCF-style: chr11-9501041-G-C.
Other names: c.590G>C, p.Ser197Thr (NM_001282656.2); c.500G>C, p.Ser167Thr (NM_001282657.2); short protein forms S167T, S198T, S197T.
Identifiers: ClinVar variation 1998273 (VCV001998273.4), dbSNP rs369164452, ClinGen allele CA379623173.

ClinVar aggregate classification (germline): Uncertain significance (1 of 4 stars; one submission).

Submission:

Labcorp Genetics (formerly Invitae), Labcorp
Classification: Uncertain significance. Last evaluated: 2022-09-01. Review status: criteria provided, single submitter. Criteria: Invitae Variant Classification Sherloc (09022015). Collection method: clinical testing. Allele origin: germline.
Comment: This sequence change replaces serine, which is neutral and polar, with threonine, which is neutral and polar, at codon 198 of the ZNF143 protein (p.Ser198Thr). This variant is not present in population databases (gnomAD no frequency). This variant has not been reported in the literature in individuals affected with ZNF143-related conditions. Algorithms developed to predict the effect of missense changes on protein structure and function (SIFT, PolyPhen-2, Align-GVGD) all suggest that this variant is likely to be tolerated. In summary, the available evidence is currently insufficient to determine the role of this variant in disease. Therefore, it has been classified as a Variant of Uncertain Significance.